The following is an entry in ClinVar:

ClinVar aggregate classification (germline): Likely pathogenic (1 of 4 stars; one submission).

Conditions:
Autosomal recessive Alport syndrome (ATS2). Also called: Alport syndrome type 2; COL4A4 Alport Syndrome and Thin Basement Membrane Nephropathy; ALPORT SYNDROME 2, AUTOSOMAL RECESSIVE; COL4A3-Related Nephropathy. Identifiers: Orphanet 63, Orphanet 88919, MedGen C4746745, MONDO:0008762, OMIM 203780.

Submission:

Myriad Genetics, Inc.
Classification: Likely pathogenic for Autosomal recessive Alport syndrome. Last evaluated: 2022-05-18. Review status: criteria provided, single submitter. Criteria: Myriad Women's Health Autosomal Recessive and X-Linked Classification Criteria (2021). Collection method: clinical testing. Allele origin: unknown.
Comment: NM_000092.4(COL4A4):c.1809_1813del5(D603Efs*8) is expected to be pathogenic in the context of COL4A4-related Alport syndrome. This variant is predicted to lead to an abnormal or absent protein product due to the creation of a premature termination codon in COL4A4, a gene where loss-of-function variants are known to be pathogenic. Please note: this variant was assessed in the context of healthy population screening.

NM_000092.5(COL4A4):c.1809_1813del (p.Asp603fs)

Gene: COL4A4 (collagen type IV alpha 4 chain; minus strand). Cytogenetic location: 2q36.3.
Variant type: Deletion.
Coding change: c.1809_1813del on transcript NM_000092.5 (MANE Select); coding-DNA positions 1809 to 1813, 5 bases deleted (TCATG; older notation c.1809_1813delTCATG).
Protein change: p.Asp603fs; shifts the reading frame from aspartic acid 603.
Molecular consequence: frameshift variant.
Genome position (GRCh38, 1-based): chr2:227,078,068-227,078,072, CATGA deleted on the plus strand (TCATG on the coding strand, the reverse complement: COL4A4 is on the minus strand). VCF-style (leftmost placement, unchanged base first): chr2-227078067-TCATGA-T. GRCh37 (hg19) VCF-style: chr2-227942783-TCATGA-T.
Other names: short protein forms D603fs.
Identifiers: ClinVar variation 1726113 (VCV001726113.2), dbSNP rs2474721255, ClinGen allele CA2580065831.